The following is an entry in ClinVar:

NR_001566.3(TERC):n.420G>A

Gene: TERC (telomerase RNA component; minus strand). Cytogenetic location: 3q26.2.
Variant type: single nucleotide variant.
Molecular consequence: non-coding transcript variant (on NR_001566.3).
Genome position: GRCh38 VCF-style: chr3-169764641-C-T. GRCh37 (hg19) VCF-style: chr3-169482429-C-T.
Identifiers: ClinVar variation 3344026 (VCV003344026.1).

ClinVar aggregate classification (germline): Uncertain significance (0 of 4 stars; one submission).

Conditions:
TERC-related disorder. Also called: TERC-related condition.

Submission:

PreventionGenetics, part of Exact Sciences
Classification: Uncertain significance for TERC-related condition. Last evaluated: 2024-04-18. Review status: no assertion criteria provided. Collection method: clinical testing. Allele origin: germline.
Comment: The TERC n.420G>A is a noncoding alteration. To our knowledge, this variant has not been reported in the literature or in a large population database, indicating this variant is rare. At this time, the clinical significance of this variant is uncertain due to the absence of conclusive functional and genetic evidence.